The following is an entry in ClinVar:

ClinVar aggregate classification (germline): Uncertain significance (1 of 4 stars; one submission).

Submission:

Labcorp Genetics (formerly Invitae), Labcorp
Classification: Uncertain significance. Last evaluated: 2024-02-23. Review status: criteria provided, single submitter. Criteria: Invitae Variant Classification Sherloc (09022015). Collection method: clinical testing. Allele origin: germline.
Comment: This sequence change replaces isoleucine, which is neutral and non-polar, with leucine, which is neutral and non-polar, at codon 103 of the FECH protein (p.Ile103Leu). This variant is not present in population databases (gnomAD no frequency). This variant has not been reported in the literature in individuals affected with FECH-related conditions. ClinVar contains an entry for this variant (Variation ID: 1360747). Advanced modeling of protein sequence and biophysical properties (such as structural, functional, and spatial information, amino acid conservation, physicochemical variation, residue mobility, and thermodynamic stability) performed at Invitae indicates that this missense variant is not expected to disrupt FECH protein function with a negative predictive value of 80%. In summary, the available evidence is currently insufficient to determine the role of this variant in disease. Therefore, it has been classified as a Variant of Uncertain Significance.

NM_000140.5(FECH):c.307A>C (p.Ile103Leu)

Gene: FECH (ferrochelatase; minus strand). Cytogenetic location: 18q21.31.
Variant type: single nucleotide variant.
Coding change: c.307A>C on transcript NM_000140.5 (MANE Select); coding-DNA position 307, A replaced by C.
Protein change: p.Ile103Leu; replaces isoleucine 103 with leucine.
Molecular consequence: missense variant.
Genome position (GRCh38, 1-based): chr18:57,573,253, T>G on the plus strand (A>C on the coding strand, the complement: FECH is on the minus strand). VCF-style: chr18-57573253-T-G. GRCh37 (hg19) VCF-style: chr18-55240485-T-G.
Other names: c.325A>C, p.Ile109Leu (NM_001012515.4); c.307A>C, p.Ile103Leu (NM_001371094.1, NM_001374778.1); c.91A>C, p.Ile31Leu (NM_001371095.1); short protein forms I31L, I103L, I109L.
Identifiers: ClinVar variation 1360747 (VCV001360747.8), dbSNP rs2122329449, ClinGen allele CA402536813.
Genomic context (GRCh38, chr18:57,573,253, plus strand): 5'-CACATGTCAATGTAGTGCCAAGGTTATAATTGAGGTGTTTATATATATCTCACTTCTGAA[T>G]AGGAAGTGTCATGAGGTCTCGGTCCAAGAAGAGTCTCAGAAGGAAGTCGTGAACATCTCC-3'
Protein context (NP_000131.2, residues 93-113): FLDRDLMTLP[Ile103Leu]QNKLAPFIAK